The following is an entry in ClinVar:

ClinVar aggregate classification (germline): Pathogenic (1 of 4 stars; one submission).

Submission:

Labcorp Genetics (formerly Invitae), Labcorp
Classification: Pathogenic. Last evaluated: 2022-06-03. Review status: criteria provided, single submitter. Criteria: Invitae Variant Classification Sherloc (09022015). Collection method: clinical testing. Allele origin: germline.
Comment: This variant is a gross deletion of the genomic region encompassing exon(s) 23 of the COL4A4 gene. This deletion is out-of-frame, and is expected to create a premature termination codon and result in an absent or disrupted protein product. Loss-of-function variants in COL4A4 are known to be pathogenic (PMID: 21196518, 24854265, 25307543). This variant has not been reported in the literature in individuals affected with COL4A4-related conditions. For these reasons, this variant has been classified as Pathogenic.

Literature cited by the submitters: PubMed 21196518; PubMed 24854265; PubMed 25307543.

NC_000002.11:g.(?_227946821)_(227946913_?)del

Gene: COL4A4 (collagen type IV alpha 4 chain; minus strand). Cytogenetic location: 2q36.3.
Variant type: Deletion.
Identifiers: ClinVar variation 2422344 (VCV002422344.3).